The following is an entry in ClinVar:

ClinVar aggregate classification (germline): Pathogenic (1 of 4 stars; one submission).

Conditions:
Polycystic kidney disease, adult type (PKD1). Also called: Polycystic Kidney Disease 1, Autosomal Dominant; Polycystic kidney disease 1; Polycystic kidney disease 1, severe; Polycystic Kidney, Autosomal Dominant; POLYCYSTIC KIDNEY DISEASE 1 WITH OR WITHOUT POLYCYSTIC LIVER DISEASE; POLYCYSTIC KIDNEY DISEASE, ADULT, TYPE I. Identifiers: MedGen C3149841, MONDO:0008263, OMIM 173900.

Submission:

Women's Health and Genetics/Laboratory Corporation of America, LabCorp
Classification: Pathogenic for Polycystic kidney disease, adult type. Last evaluated: 2025-05-01. Review status: criteria provided, single submitter. Criteria: LabCorp Variant Classification Summary - May 2015. Collection method: clinical testing. Allele origin: germline.
Comment: Variant summary: PKD1 c.11115delC (p.Lys3706SerfsX120) results in a premature termination codon, predicted to cause a truncation of the encoded protein or absence of the protein due to nonsense mediated decay, which are commonly known mechanisms for disease. The variant was absent in 250634 control chromosomes. To our knowledge, no occurrence of c.11115delC in individuals affected with Polycystic Kidney Disease 1 and no experimental evidence demonstrating its impact on protein function have been reported. No submitters have cited clinical-significance assessments for this variant to ClinVar. Based on the evidence outlined above, the variant was classified as pathogenic.

NM_001009944.3(PKD1):c.11115del (p.Lys3706fs)

Genes: PKD1 (polycystin 1, transient receptor potential channel interacting; minus strand), PKD1-AS1 (PKD1 antisense RNA 1; plus strand). Cytogenetic location: 16p13.3.
Variant type: Deletion.
Coding change: c.11115del on transcript NM_001009944.3 (MANE Select); coding-DNA position 11115, one base deleted (C; older notation c.11115delC).
Protein change: p.Lys3706fs; shifts the reading frame from lysine 3706.
Molecular consequence: frameshift variant. On other transcripts: non-coding transcript variant (1).
Genome position (GRCh38, 1-based): chr16:2,092,995, G deleted on the plus strand (C on the coding strand, the reverse complement: PKD1 is on the minus strand). VCF-style (leftmost placement, unchanged base first): chr16-2092994-TG-T. GRCh37 (hg19) VCF-style: chr16-2142995-TG-T.
Other names: c.11112del, p.Lys3705fs (NM_000296.4); c.11115delC (NM_001009944.3); short protein forms K3705fs, K3706fs.
Identifiers: ClinVar variation 3902614 (VCV003902614.1).